The following is an entry in ClinVar:

ClinVar aggregate classification (germline): Uncertain significance (1 of 4 stars; one submission).

Conditions:
Charcot-Marie-Tooth disease, type I (CMT1). Also called: Charcot-Marie-Tooth disease type 1; Charcot-Marie-Tooth, Type 1. Identifiers: Orphanet 65753, MedGen C0751036, MONDO:0019011.

Submission:

Labcorp Genetics (formerly Invitae), Labcorp
Classification: Uncertain significance for Charcot-Marie-Tooth disease, type I. Last evaluated: 2023-07-16. Review status: criteria provided, single submitter. Criteria: Invitae Variant Classification Sherloc (09022015). Collection method: clinical testing. Allele origin: germline.
Comment: ClinVar contains an entry for this variant (Variation ID: 650811). This variant has not been reported in the literature in individuals affected with MPZ-related conditions. This variant is not present in population databases (gnomAD no frequency). This sequence change replaces tryptophan, which is neutral and slightly polar, with cysteine, which is neutral and slightly polar, at codon 53 of the MPZ protein (p.Trp53Cys). In summary, the available evidence is currently insufficient to determine the role of this variant in disease. Therefore, it has been classified as a Variant of Uncertain Significance. Advanced modeling of protein sequence and biophysical properties (such as structural, functional, and spatial information, amino acid conservation, physicochemical variation, residue mobility, and thermodynamic stability) has been performed at Invitae for this missense variant, however the output from this modeling did not meet the statistical confidence thresholds required to predict the impact of this variant on MPZ protein function.

NM_000530.8(MPZ):c.159G>C (p.Trp53Cys)

Gene: MPZ (myelin protein zero; minus strand). Cytogenetic location: 1q23.3.
Variant type: single nucleotide variant.
Coding change: c.159G>C on transcript NM_000530.8 (MANE Select); coding-DNA position 159, G replaced by C.
Protein change: p.Trp53Cys; replaces tryptophan 53 with cysteine.
Molecular consequence: missense variant.
Genome position (GRCh38, 1-based): chr1:161,307,333, C>G on the plus strand (G>C on the coding strand, the complement: MPZ is on the minus strand). VCF-style: chr1-161307333-C-G. GRCh37 (hg19) VCF-style: chr1-161277123-C-G.
Other names: c.159G>C (LRG_256t1); c.159G>C, p.Trp53Cys (NM_001315491.2); short protein forms W53C.
Identifiers: ClinVar variation 650811 (VCV000650811.8), dbSNP rs1571820100, ClinGen allele CA343351089.